The following is an entry in ClinVar:

ClinVar aggregate classification (germline): Uncertain significance. Review status: criteria provided, multiple submitters, no conflicts (2 of 4 stars). 3 submissions from 3 submitters: Uncertain significance (3). Last evaluated 2025-11-27.

Conditions:
Microcephaly 3, primary, autosomal recessive. Identifiers: Orphanet 2512, MedGen C1858108, MONDO:0011488, OMIM 604804.

Allele frequency attached by ClinVar (database versions not stated): ExAC 0.00007; gnomAD 0.00007 and 0.00009; gnomAD exomes 0.00007; 1000 Genomes Project 30x 0.00031; 1000 Genomes Project 0.00040; TOPMed 0.00004.
gnomAD v4.1: 112 of 1,614,094 alleles (0.0069%); highest among the groups gnomAD compares: East Asian, 0.16%; 1 homozygote.

Submissions (3):

Labcorp Genetics (formerly Invitae), Labcorp
Classification: Uncertain significance. Last evaluated: 2025-11-27. Review status: criteria provided, single submitter. Criteria: Invitae Variant Classification Sherloc (09022015). Collection method: clinical testing. Allele origin: germline.
Comment: This sequence change replaces arginine, which is basic and polar, with tryptophan, which is neutral and slightly polar, at codon 1257 of the CDK5RAP2 protein (p.Arg1257Trp). This variant is present in population databases (rs185208659, gnomAD 0.06%). This variant has not been reported in the literature in individuals affected with CDK5RAP2-related conditions. ClinVar contains an entry for this variant (Variation ID: 434655). An algorithm developed to predict the effect of missense changes on protein structure and function (PolyPhen-2) suggests that this variant is likely to be disruptive. In summary, the available evidence is currently insufficient to determine the role of this variant in disease. Therefore, it has been classified as a Variant of Uncertain Significance.

Mayo Clinic Laboratories, Mayo Clinic
Classification: Uncertain significance for Microcephaly 3, primary, autosomal recessive. Last evaluated: 2016-11-30. Review status: criteria provided, single submitter. Criteria: ACMG Guidelines, 2015. Collection method: clinical testing. Allele origin: maternal.

Genetic Services Laboratory, University of Chicago
Classification: Uncertain significance. Last evaluated: 2015-10-29. Review status: criteria provided, single submitter. Criteria: ACMG Guidelines, 2015. Collection method: clinical testing. Allele origin: germline. Affected: no.

NM_018249.6(CDK5RAP2):c.3769C>T (p.Arg1257Trp)

Gene: CDK5RAP2 (CDK5 regulatory subunit associated protein 2; minus strand). Cytogenetic location: 9q33.2.
Variant type: single nucleotide variant.
Coding change: c.3769C>T on transcript NM_018249.6 (MANE Select); coding-DNA position 3769, C replaced by T.
Protein change: p.Arg1257Trp; replaces arginine 1257 with tryptophan.
Molecular consequence: missense variant. On other transcripts: non-coding transcript variant (5).
Genome position (GRCh38, 1-based): chr9:120,437,481, G>A on the plus strand (C>T on the coding strand, the complement: CDK5RAP2 is on the minus strand). VCF-style: chr9-120437481-G-A. GRCh37 (hg19) VCF-style: chr9-123199759-G-A.
Other names: c.3769C>T, p.Arg1257Trp (NM_001011649.3); c.3079C>T, p.Arg1027Trp (NM_001272039.2); short protein forms R1257W, R1027W.
Identifiers: ClinVar variation 434655 (VCV000434655.14), dbSNP rs185208659, ClinGen allele CA5213758.